The following is an entry in ClinVar:

NM_003361.4(UMOD):c.706C>A (p.Pro236Thr)

Gene: UMOD (uromodulin; minus strand). Cytogenetic location: 16p12.3.
Variant type: single nucleotide variant.
Coding change: c.706C>A on transcript NM_003361.4 (MANE Select); coding-DNA position 706, C replaced by A.
Protein change: p.Pro236Thr; replaces proline 236 with threonine.
Molecular consequence: missense variant. On other transcripts: non-coding transcript variant (1).
Genome position (GRCh38, 1-based): chr16:20,348,595, G>T on the plus strand (C>A on the coding strand, the complement: UMOD is on the minus strand). VCF-style: chr16-20348595-G-T. GRCh37 (hg19) VCF-style: chr16-20359917-G-T.
Other names: c.706C>A, p.Pro236Thr (NM_001008389.3, NM_001378232.1, NM_001378233.1 and 3 more transcripts); c.805C>A, p.Pro269Thr (NM_001278614.2); short protein forms P236T, P269T.
Identifiers: ClinVar variation 2698818 (VCV002698818.4), dbSNP rs2507386812, ClinGen allele CA394985031.

ClinVar aggregate classification (germline): Likely pathogenic. Review status: criteria provided, multiple submitters, no conflicts (2 of 4 stars). 2 submissions from 2 submitters: Likely pathogenic (2). Last evaluated 2024-03-28.

Conditions:
Familial juvenile hyperuricemic nephropathy type 1 (ADTKD1). Also called: Glomerulocystic kidney disease with hyperuricemia and isosthenuria; Medullary cystic kidney disease 2; Autosomal Dominant Tubulointerstitial Kidney Disease – UMOD; UMOD-Associated Kidney Disease; Uromodulin-associated kidney disease. Identifiers: Orphanet 209886, Orphanet 34149, Orphanet 88950, MedGen C4551496, MONDO:0008073, OMIM 162000.

Submissions (2):

Labcorp Genetics (formerly Invitae), Labcorp
Classification: Likely pathogenic. Last evaluated: 2024-03-28. Review status: criteria provided, single submitter. Criteria: Invitae Variant Classification Sherloc (09022015). Collection method: clinical testing. Allele origin: germline.
Comment: This sequence change replaces proline, which is neutral and non-polar, with threonine, which is neutral and polar, at codon 236 of the UMOD protein (p.Pro236Thr). This variant is not present in population databases (gnomAD no frequency). This variant has not been reported in the literature in individuals affected with UMOD-related conditions. Advanced modeling of protein sequence and biophysical properties (such as structural, functional, and spatial information, amino acid conservation, physicochemical variation, residue mobility, and thermodynamic stability) performed at Invitae indicates that this missense variant is expected to disrupt UMOD protein function with a positive predictive value of 95%. This variant disrupts the p.Pro236 amino acid residue in UMOD. Other variant(s) that disrupt this residue have been determined to be pathogenic (PMID: 15086896). This suggests that this residue is clinically significant, and that variants that disrupt this residue are likely to be disease-causing. In summary, the currently available evidence indicates that the variant is pathogenic, but additional data are needed to prove that conclusively. Therefore, this variant has been classified as Likely Pathogenic.

3billion
Classification: Likely pathogenic for Familial juvenile hyperuricemic nephropathy type 1. Last evaluated: 2023-10-23. Review status: criteria provided, single submitter. Criteria: ACMG Guidelines, 2015. Collection method: clinical testing. Allele origin: germline. Affected: yes.
Comment: The variant is not observed in the gnomAD v2.1.1 dataset. Predicted Consequence/Location: Missense changes are a common disease-causing mechanism. In silico tool predictions suggest damaging effect of the variant on gene or gene product [REVEL: 0.90 (>=0.6, sensitivity 0.68 and specificity 0.92)]. Different missense changes at the same codon (p.Pro236Arg, p.Pro236Gln, p.Pro236Leu, p.Pro236Ser) have been reported as pathogenic/likely pathogenic with strong evidence (ClinVar ID: VCV000521547 /PMID: 15086896, 17010121, 23988501, 32450155). Therefore, this variant is classified as Likely pathogenic according to the recommendation of ACMG/AMP guideline.

Literature cited by the submitters: PubMed 15086896 (cited by Labcorp Genetics (formerly Invitae), Labcorp and 3billion).